The following is an entry in ClinVar:

ClinVar aggregate classification (germline): Benign/Likely benign. Review status: criteria provided, multiple submitters, no conflicts (2 of 4 stars). 6 submissions from 6 submitters: Benign (5); Likely benign (1). Last evaluated 2025-12-08.

Conditions:
Amyotrophic neuralgia (HNA). Also called: AMYOTROPHY, HEREDITARY NEURALGIC, WITH PREDILECTION FOR BRACHIAL PLEXUS; Hereditary Brachial Plexus Neuropathy; Neuritis with Brachial Predilection; AMYOTROPHY, HEREDITARY NEURALGIC. Identifiers: Orphanet 2901, MedGen C1834304, MONDO:0008076, OMIM 162100.

Allele frequency attached by ClinVar (database versions not stated): ESP Exome Variant Server 0.00008; gnomAD 0.00027 and 0.00038; gnomAD exomes 0.00027 and 0.00071; TOPMed 0.00042; ExAC 0.00075; 1000 Genomes Project 30x 0.00109; 1000 Genomes Project 0.00140.
gnomAD v4.1: 463 of 1,614,128 alleles (0.029%); highest among the groups gnomAD compares: Middle Eastern, 0.58%; 1 homozygote.

Submissions (6):

Labcorp Genetics (formerly Invitae), Labcorp
Classification: Benign. Last evaluated: 2025-12-08. Review status: criteria provided, single submitter. Criteria: Invitae Variant Classification Sherloc (09022015). Collection method: clinical testing. Allele origin: germline.

Blueprint Genetics
Classification: Likely benign. Last evaluated: 2024-11-22. Review status: criteria provided, single submitter. Criteria: ACMG Guidelines, 2015. Collection method: clinical testing. Allele origin: germline.

CeGaT Center for Human Genetics Tuebingen
Classification: Benign. Last evaluated: 2022-05-01. Review status: criteria provided, single submitter. Criteria: CeGaT Center For Human Genetics Tuebingen Variant Classification Criteria Version 2. Collection method: clinical testing. Allele origin: germline. Affected: yes. Observed: 1 variant allele.
Comment: SEPTIN9: BS1, BS2

Genome-Nilou Lab
Classification: Benign for Amyotrophic neuralgia. Last evaluated: 2021-12-05. Review status: criteria provided, single submitter. Criteria: ACMG Guidelines, 2015. Collection method: clinical testing. Allele origin: germline. Affected: no.

Illumina Laboratory Services, Illumina
Classification: Benign for Amyotrophy, hereditary neuralgic. Last evaluated: 2018-01-12. Review status: criteria provided, single submitter. Criteria: ICSL Variant Classification Criteria 13 December 2019. Collection method: clinical testing. Allele origin: germline.
Comment: This variant was observed in the ICSL laboratory as part of a predisposition screen in an ostensibly healthy population. It had not been previously curated by ICSL or reported in the Human Gene Mutation Database (HGMD: prior to June 1st, 2018), and was therefore a candidate for classification through an automated scoring system. Utilizing variant allele frequency, disease prevalence and penetrance estimates, and inheritance mode, an automated score was calculated to assess if this variant is too frequent to cause the disease. Based on the score and internal cut-off values, a variant classified as benign is not then subjected to further curation. The score for this variant resulted in a classification of benign for this disease.

Breakthrough Genomics
Classification: Benign. Review status: criteria provided, single submitter. Criteria: ACMG Guidelines, 2015. Collection method: not provided. Allele origin: germline. Inheritance: Autosomal dominant inheritance. Affected: yes.

NM_001113491.2(SEPTIN9):c.1446G>A (p.Ser482=)

Gene: SEPTIN9 (septin 9; plus strand). Cytogenetic location: 17q25.3.
Variant type: single nucleotide variant.
Coding change: c.1446G>A on transcript NM_001113491.2 (MANE Select); coding-DNA position 1446, G replaced by A.
Protein change: p.Ser482=; no amino-acid change (serine 482 retained).
Molecular consequence: synonymous variant.
Genome position (GRCh38, 1-based): chr17:77,492,686, G>A. VCF-style: chr17-77492686-G-A. GRCh37 (hg19) VCF-style: chr17-75488768-G-A.
Other names: c.954G>A, p.Ser318= (NM_001113492.2, NM_001113494.1); c.1425G>A, p.Ser475= (NM_001113493.2); c.693G>A, p.Ser231= (NM_001113495.2, NM_001113496.2, NM_001293697.2 and 1 more transcripts); c.1389G>A, p.Ser463= (NM_001293695.2); c.774G>A, p.Ser258= (NM_001293696.2); c.1392G>A, p.Ser464= (NM_006640.5).
Identifiers: ClinVar variation 325562 (VCV000325562.40), dbSNP rs80015943, ClinGen allele CA8793797.